The following is an entry in ClinVar:

ClinVar aggregate classification (germline): Likely benign. Review status: criteria provided, multiple submitters, no conflicts (2 of 4 stars). 2 submissions from 2 submitters: Likely benign (2). Last evaluated 2023-07-01.

Conditions:
Atrioventricular septal defect, susceptibility to, 2. Identifiers: MedGen C1853508, MONDO:0011650, OMIM 606217.

Allele frequency attached by ClinVar (database versions not stated): gnomAD 0.00007 and 0.00008; TOPMed 0.00007; gnomAD exomes 0.00009 and 0.00015; ESP Exome Variant Server 0.00015; ExAC 0.00017.

Submissions (2):

CeGaT Center for Human Genetics Tuebingen
Classification: Likely benign. Last evaluated: 2023-07-01. Review status: criteria provided, single submitter. Criteria: CeGaT Center For Human Genetics Tuebingen Variant Classification Criteria Version 2. Collection method: clinical testing. Allele origin: germline. Affected: yes. Observed: 1 variant allele.
Comment: CRELD1: BS1

Labcorp Genetics (formerly Invitae), Labcorp
Classification: Likely benign for Atrioventricular septal defect, susceptibility to, 2. Last evaluated: 2021-12-15. Review status: criteria provided, single submitter. Criteria: Invitae Variant Classification Sherloc (09022015). Collection method: clinical testing. Allele origin: germline.

NM_001077415.3(CRELD1):c.1018G>A (p.Glu340Lys)

Gene: CRELD1 (CRELD disulfide isomerase 1; plus strand). Cytogenetic location: 3p25.3.
Variant type: single nucleotide variant.
Coding change: c.1018G>A on transcript NM_001077415.3 (MANE Select); coding-DNA position 1018, G replaced by A.
Protein change: p.Glu340Lys; replaces glutamic acid 340 with lysine.
Molecular consequence: missense variant. On other transcripts: non-coding transcript variant (3).
Genome position (GRCh38, 1-based): chr3:9,943,485, G>A. VCF-style: chr3-9943485-G-A. GRCh37 (hg19) VCF-style: chr3-9985169-G-A.
Other names: c.1018G>A, p.Glu340Lys (NM_001031717.4, NM_001374316.1, NM_001374317.1 and 2 more transcripts); c.934G>A, p.Glu312Lys (NM_001374319.1, NM_001374320.1); short protein forms E312K, E340K.
Identifiers: ClinVar variation 697196 (VCV000697196.31), dbSNP rs142349621, ClinGen allele CA2247891.
Genomic context (GRCh38, chr3:9,943,485, plus strand): 5'-CAGTGTGAAAACACCGAGGGCGGTTATCGCTGCATCTGTGCCGAGGGCTACAAGCAGATG[G>A]AAGGCATCTGTGTGAAGGAGCAGATCCCAGGTGAGCCCTGGGGCGGGAGAGGGGAGGTCC-3'
Protein context (NP_001070883.2, residues 330-350): CICAEGYKQM[Glu340Lys]GICVKEQIPE